The following is an entry in ClinVar:

NM_000256.3(MYBPC3):c.3064C>A (p.Arg1022Ser)

Gene: MYBPC3 (myosin binding protein C3; minus strand). Cytogenetic location: 11p11.2.
Variant type: single nucleotide variant.
Coding change: c.3064C>A on transcript NM_000256.3 (MANE Select); coding-DNA position 3064, C replaced by A.
Protein change: p.Arg1022Ser; replaces arginine 1022 with serine.
Molecular consequence: missense variant.
Genome position (GRCh38, 1-based): chr11:47,333,683, G>T on the plus strand (C>A on the coding strand, the complement: MYBPC3 is on the minus strand). VCF-style: chr11-47333683-G-T. GRCh37 (hg19) VCF-style: chr11-47355234-G-T.
Other names: short protein forms R1022S.
Identifiers: ClinVar variation 1799407 (VCV001799407.2), dbSNP rs397515999, ClinGen allele CA380315358.

ClinVar aggregate classification (germline): Uncertain significance (1 of 4 stars; one submission).

Conditions:
Cardiovascular phenotype. Identifiers: MedGen CN230736.

Submission:

Ambry Genetics
Classification: Uncertain significance for Cardiovascular phenotype. Last evaluated: 2017-09-06. Review status: criteria provided, single submitter. Criteria: Ambry Variant Classification Scheme 2023. Collection method: clinical testing. Allele origin: germline.
Comment: The p.R1022S variant (also known as c.3064C>A), located in coding exon 29 of the MYBPC3 gene, results from a C to A substitution at nucleotide position 3064. The arginine at codon 1022 is replaced by serine, an amino acid with dissimilar properties. This alteration has been detected in Spanish hypertrophic cardiomyopathy (HCM) cohorts with limited clinical detail and possible cohort overlap (Coto E et al. J Mol Diagn. 2012;14:518-24; G&oacute;mez J et al. Circ Cardiovasc Genet. 2017;10(2)). Other alterations affecting this amino acid (p.R1022P, p.R1022H and p.R1022C) have been reported in the literature in association with HCM with varying levels of clinical detail (Brito D et al. Rev Port Cardiol. 2005;24(9):1137-46; Walsh R et al. Genet Med. 2017;19:192-203; Berge KE et al. Clin Genet. 2014;86(4):355-60). This amino acid position is highly conserved in available vertebrate species. In addition, this alteration is predicted to be deleterious by in silico analysis. Since supporting evidence is limited at this time, the clinical significance of this alteration remains unclear.

Literature cited by the submitters: PubMed 16335287; PubMed 19150014; PubMed 22765922; PubMed 24111713; PubMed 27532257; PubMed 28356264.